The following is an entry in ClinVar:

NM_006186.4(NR4A2):c.1361+1G>A

Gene: NR4A2 (nuclear receptor subfamily 4 group A member 2; minus strand). Cytogenetic location: 2q24.1.
Variant type: single nucleotide variant.
Coding change: c.1361+1G>A on transcript NM_006186.4 (MANE Select); the canonical splice donor site of the intron after coding-DNA position 1361, G replaced by A.
Molecular consequence: splice donor variant.
Genome position (GRCh38, 1-based): chr2:156,326,717, C>T on the plus strand (G>A on the coding strand, the complement: NR4A2 is on the minus strand). VCF-style: chr2-156326717-C-T. GRCh37 (hg19) VCF-style: chr2-157183229-C-T.
Other names: c.1172+1G>A (NM_173173.3).
Identifiers: ClinVar variation 3352413 (VCV003352413.1).

ClinVar aggregate classification (germline): Likely pathogenic (0 of 4 stars; one submission).

Conditions:
NR4A2-related disorder. Also called: NR4A2-related condition.

Submission:

PreventionGenetics, part of Exact Sciences
Classification: Likely pathogenic for NR4A2-related condition. Last evaluated: 2024-06-11. Review status: no assertion criteria provided. Collection method: clinical testing. Allele origin: germline.
Comment: The NR4A2 c.1361+1G>A variant is predicted to disrupt the GT donor site and interfere with normal splicing. This variant is predicted to alter splicing based on available splicing prediction programs (SpliceAI, Jaganathan et al. 2019. PubMed ID: 30661751). To our knowledge, this variant has not been reported in the literature or in gnomAD, indicating this variant is rare. De novo loss-of-function variants in NR4A2 have been associated with neurodevelopmental disorder and epilepsy (Singh et al. 2020. PubMed ID: 32366965). This variant is interpreted as likely pathogenic.